The following is an entry in ClinVar:

ClinVar aggregate classification (germline): Likely benign. Review status: criteria provided, multiple submitters, no conflicts (2 of 4 stars). 2 submissions from 2 submitters: Likely benign (2). Last evaluated 2026-08-18.

Conditions:
SCN11A-related disorder. Also called: SCN11A-related condition.
Hereditary sensory and autonomic neuropathy type 7. Also called: HSAN VII; Neuropathy, hereditary sensory and autonomic, type VII. Identifiers: Orphanet 391397, MedGen C3809882, MONDO:0014244, OMIM 615548.
Familial episodic pain syndrome with predominantly lower limb involvement. Also called: Episodic pain syndrome, familial, 3. Identifiers: Orphanet 391384, Orphanet 391392, MedGen C3809899, MONDO:0014247, OMIM 615552.

gnomAD v4.1: 2 of 1,614,016 alleles (0.00012%); highest among the groups gnomAD compares: African/African-American, 0.0027%; no homozygotes.

Submissions (2):

PreventionGenetics, part of Exact Sciences
Classification: Likely benign for SCN11A-related condition. Last evaluated: 2026-08-18. Review status: criteria provided, single submitter. Criteria: ACMG Guidelines, 2015. Collection method: clinical testing. Allele origin: germline.
Comment: This variant is classified as likely benign based on ACMG/AMP sequence variant interpretation guidelines (Richards et al. 2015 PMID: 25741868, with internal and published modifications).

Labcorp Genetics (formerly Invitae), Labcorp
Classification: Likely benign for Familial episodic pain syndrome with predominantly lower limb involvement; Hereditary sensory and autonomic neuropathy type 7. Last evaluated: 2024-06-04. Review status: criteria provided, single submitter. Criteria: Invitae Variant Classification Sherloc (09022015). Collection method: clinical testing. Allele origin: germline.

NM_001349253.2(SCN11A):c.1896T>C (p.Asp632=)

Gene: SCN11A (sodium voltage-gated channel alpha subunit 11; minus strand). Cytogenetic location: 3p22.2.
Variant type: single nucleotide variant.
Coding change: c.1896T>C on transcript NM_001349253.2 (MANE Select); coding-DNA position 1896, T replaced by C.
Protein change: p.Asp632=; no amino-acid change (aspartic acid 632 retained).
Molecular consequence: synonymous variant.
Genome position (GRCh38, 1-based): chr3:38,900,020, A>G on the plus strand (T>C on the coding strand, the complement: SCN11A is on the minus strand). VCF-style: chr3-38900020-A-G. GRCh37 (hg19) VCF-style: chr3-38941511-A-G.
Other names: c.1896T>C, p.Asp632= (NM_014139.3); c.1896T>C (NM_014139.2).
Identifiers: ClinVar variation 3756263 (VCV003756263.3).